The following is an entry in ClinVar:

NM_182916.3(TRNT1):c.638G>T (p.Gly213Val)

Gene: TRNT1 (tRNA nucleotidyl transferase 1; plus strand). Cytogenetic location: 3p26.2.
Variant type: single nucleotide variant.
Coding change: c.638G>T on transcript NM_182916.3 (MANE Select); coding-DNA position 638, G replaced by T.
Protein change: p.Gly213Val; replaces glycine 213 with valine.
Molecular consequence: missense variant. On other transcripts: non-coding transcript variant (6).
Genome position (GRCh38, 1-based): chr3:3,146,459, G>T. VCF-style: chr3-3146459-G-T. GRCh37 (hg19) VCF-style: chr3-3188143-G-T.
Other names: c.638G>T, p.Gly213Val (NM_001302946.2, NM_001367321.1, NM_001367322.1 and 1 more transcripts); short protein forms G213V.
Identifiers: ClinVar variation 969987 (VCV000969987.6), dbSNP rs745817126, ClinGen allele CA351446882.
Genomic context (GRCh38, chr3:3,146,459, plus strand): 5'-GGTAATACCCTGTGAAGATTTTGTCTTGTAGGTTTTATGGGAGAATTGTAGACAAACCTG[G>T]TGACCATGATCCTGAGACTTTGGAAGCAATTGCAGAAAATGCAAAAGGCTTGGCTGGAAT-3'
Protein context (NP_886552.3, residues 203-223): RFYGRIVDKP[Gly213Val]DHDPETLEAI

ClinVar aggregate classification (germline): Uncertain significance (1 of 4 stars; one submission).

Conditions:
Congenital sideroblastic anemia-B-cell immunodeficiency-periodic fever-developmental delay syndrome. Also called: Sideroblastic anemia with B-cell immunodeficiency, periodic fevers, and developmental delay. Identifiers: Orphanet 369861, MedGen C4015172, MONDO:0014487, OMIM 616084.

gnomAD v4.1: 1 of 1,613,170 alleles (0.000062%); highest among the groups gnomAD compares: Non-Finnish European, 0.000085%; no homozygotes.

Submission:

Labcorp Genetics (formerly Invitae), Labcorp
Classification: Uncertain significance for Congenital sideroblastic anemia-B-cell immunodeficiency-periodic fever-developmental delay syndrome. Last evaluated: 2019-10-10. Review status: criteria provided, single submitter. Criteria: Invitae Variant Classification Sherloc (09022015). Collection method: clinical testing. Allele origin: germline.
Comment: This variant is not present in population databases (ExAC no frequency). This sequence change replaces glycine with valine at codon 213 of the TRNT1 protein (p.Gly213Val). The glycine residue is moderately conserved and there is a moderate physicochemical difference between glycine and valine. This variant has not been reported in the literature in individuals with TRNT1-related conditions. Algorithms developed to predict the effect of missense changes on protein structure and function are either unavailable or do not agree on the potential impact of this missense change (SIFT: "Deleterious"; PolyPhen-2: "Benign"; Align-GVGD: "Class C0"). In summary, the available evidence is currently insufficient to determine the role of this variant in disease. Therefore, it has been classified as a Variant of Uncertain Significance.